The following is an entry in ClinVar:

NM_001203.3(BMPR1B):c.469C>T (p.Pro157Ser)

Gene: BMPR1B (bone morphogenetic protein receptor type 1B; plus strand). Cytogenetic location: 4q22.3.
Variant type: single nucleotide variant.
Coding change: c.469C>T on transcript NM_001203.3 (MANE Select); coding-DNA position 469, C replaced by T.
Protein change: p.Pro157Ser; replaces proline 157 with serine.
Molecular consequence: missense variant.
Genome position (GRCh38, 1-based): chr4:95,125,005, C>T. VCF-style: chr4-95125005-C-T. GRCh37 (hg19) VCF-style: chr4-96046156-C-T.
Other names: c.469C>T, p.Pro157Ser (NM_001256792.2, NM_001256794.1); c.559C>T, p.Pro187Ser (NM_001256793.2); short protein forms P157S, P187S.
Identifiers: ClinVar variation 383191 (VCV000383191.4), dbSNP rs779609471, ClinGen allele CA3014991.

ClinVar aggregate classification (germline): Uncertain significance. Review status: criteria provided, multiple submitters, no conflicts (2 of 4 stars). 2 submissions from 2 submitters: Uncertain significance (2). Last evaluated 2025-01-28.

Conditions:
Type A2 brachydactyly (BDA2). Also called: Brachymesophalangy type 2; MOHR-WRIEDT TYPE BRACHYDACTYLY; BRACHYMESOPHALANGY II. Identifiers: Orphanet 93396, MedGen C1832702, MONDO:0007216, OMIM 112600, HP:0009372.
Acromesomelic dysplasia 3 (AMD3). Also called: CHONDRODYSPLASIA, ACROMESOMELIC, WITH OR WITHOUT GENITAL ANOMALIES; Acromesomelic dysplasia, Demirhan type. Identifiers: MedGen C4225404, MONDO:0012274, OMIM 609441.

Allele frequency attached by ClinVar (database versions not stated): gnomAD below 0.00001 and 0.00002; TOPMed 0.00001.

Submissions (2):

Labcorp Genetics (formerly Invitae), Labcorp
Classification: Uncertain significance for Type A2 brachydactyly; Acromesomelic dysplasia 3. Last evaluated: 2025-01-28. Review status: criteria provided, single submitter. Criteria: Invitae Variant Classification Sherloc (09022015). Collection method: clinical testing. Allele origin: germline.
Comment: This sequence change replaces proline, which is neutral and non-polar, with serine, which is neutral and polar, at codon 157 of the BMPR1B protein (p.Pro157Ser). This variant is present in population databases (rs779609471, gnomAD 0.03%). This variant has not been reported in the literature in individuals affected with BMPR1B-related conditions. ClinVar contains an entry for this variant (Variation ID: 383191). Invitae Evidence Modeling of protein sequence and biophysical properties (such as structural, functional, and spatial information, amino acid conservation, physicochemical variation, residue mobility, and thermodynamic stability) indicates that this missense variant is not expected to disrupt BMPR1B protein function with a negative predictive value of 80%. In summary, the available evidence is currently insufficient to determine the role of this variant in disease. Therefore, it has been classified as a Variant of Uncertain Significance.

GeneDx
Classification: Uncertain significance. Last evaluated: 2016-02-20. Review status: criteria provided, single submitter. Criteria: GeneDx Variant Classification (06012015). Collection method: clinical testing. Allele origin: germline. Affected: yes.
Comment: The P157S variant in the BMPR1B gene has not been reported previously as a pathogenic variant, nor as a benign variant, to our knowledge. The P157S variant was not observed in approximately 6500 individuals of European and African American ancestry in the NHLBI Exome Sequencing Project, indicating it is not a common benign variant in these populations. The P157S variant is a non-conservative amino acid substitution, which is likely to impact secondary protein structure as these residues differ in polarity, charge, size and/or other properties. This substitution occurs at a position that is conserved in mammals. In silico analysis is inconsistent in its predictions as to whether or not the variant is damaging to the protein structure/function. We interpret P157S as a variant of uncertain significance.